The following is an entry in ClinVar:

ClinVar aggregate classification (germline): Pathogenic. Review status: criteria provided, multiple submitters, no conflicts (2 of 4 stars). 6 submissions from 6 submitters: Pathogenic (6). Last evaluated 2026-03-30.

Conditions:
RP1-related disorder. Also called: RP1-related condition.
Retinitis pigmentosa (RP). Identifiers: Orphanet 791, MedGen C0035334, MeSH D012174, MONDO:0019200, OMIM 268000. Inheritance: Autosomal dominant, autosomal recessive and X linked inheritance.

Allele frequency attached by ClinVar (database versions not stated): TOPMed 0.00005; ExAC 0.00002; gnomAD 0.00003 and 0.00004; gnomAD exomes 0.00004.
gnomAD v4.1: 20 of 1,613,754 alleles (0.0012%); highest among the groups gnomAD compares: Admixed American, 0.02%; no homozygotes.

Submissions (6):

PreventionGenetics, part of Exact Sciences
Classification: Pathogenic for RP1-related condition. Last evaluated: 2026-03-30. Review status: criteria provided, single submitter. Criteria: ACMG Guidelines, 2015. Collection method: clinical testing. Allele origin: germline.
Comment: The RP1 c.1625C>G variant is predicted to result in premature protein termination (p.Ser542*). This variant has been reported, in the homozygous state or in the heterozygous state along with another likely causative variant in RP1, in multiple individuals with retinitis pigmentosa (for example, Avila-Fernandez et al. 2012. PubMed ID: 22917891; El Shamieh et al. 2015. PubMed ID: 25692139; Wang et al. 2014. PubMed ID: 25097241). This variant is also a prevalent founder mutation found in Spanish patients with retinitis pigmentosa (Avila-Fernandez et al. 2012. PubMed ID: 22917891). This variant is reported in 0.025% of alleles in individuals of Latino descent in gnomAD. Nonsense variants in RP1 are expected to be pathogenic. This variant is interpreted as pathogenic for autosomal recessive disease.

Labcorp Genetics (formerly Invitae), Labcorp
Classification: Pathogenic. Last evaluated: 2026-01-26. Review status: criteria provided, single submitter. Criteria: Invitae Variant Classification Sherloc (09022015). Collection method: clinical testing. Allele origin: germline.
Comment: This sequence change creates a premature translational stop signal (p.Ser542*) in the RP1 gene. While this is not anticipated to result in nonsense mediated decay, it is expected to disrupt the last 1615 amino acid(s) of the RP1 protein. This variant is present in population databases (rs779334655, gnomAD 0.02%). This premature translational stop signal has been observed in individuals with autosomal recessive retinal dystrophy (PMID: 22917891, 25097241, 25692139, 30337596). ClinVar contains an entry for this variant (Variation ID: 620129). This variant disrupts the C-terminus of the RP1 protein. Many variants that disrupt this region have been reported in individuals with either autosomal dominant or autosomal recessive retinitis pigmentosa (PMID: 11527933, 19933189, 29425069, 30027431, 33681214). Therefore, variants that disrupt this region are expected to be disease-causing. For these reasons, this variant has been classified as Pathogenic.

Blueprint Genetics
Classification: Pathogenic for RP1-related disorders. Last evaluated: 2024-07-23. Review status: criteria provided, single submitter. Criteria: ACMG Guidelines, 2015. Collection method: clinical testing. Allele origin: germline. Affected: yes. Observed: 4 variant alleles.

GeneDx
Classification: Pathogenic. Last evaluated: 2023-11-29. Review status: criteria provided, single submitter. Criteria: GeneDx Variant Classification Process June 2021. Collection method: clinical testing. Allele origin: germline. Affected: yes.
Comment: Nonsense variant predicted to result in protein truncation, as the last 1615 amino acids are lost, and other loss-of-function variants have been reported downstream in HGMD; This variant is associated with the following publications: (PMID: 32483926, 32531858, 22917891, 25097241, 27353947, 25692139, 28157192, 29912909, 30337596, 31589614, 32005865, 36341727, 36819107, 33452396, 34906470)

Broad Center for Mendelian Genomics, Broad Institute of MIT and Harvard
Classification: Pathogenic for Retinitis pigmentosa. Last evaluated: 2021-04-01. Review status: criteria provided, single submitter. Criteria: ACMG Guidelines, 2015. Collection method: curation. Allele origin: germline. Inheritance: Autosomal recessive inheritance. Affected: yes.
Comment: Through a review of available evidence we were able to apply the following criteria: PVS1, PM2, PS4. Based on this evidence we have classified this variant as Pathogenic. If you have any questions about the classification please reach out to the Pierce Lab.

Mendelics
Classification: Pathogenic for Retinitis pigmentosa. Last evaluated: 2019-05-28. Review status: criteria provided, single submitter. Criteria: Mendelics Assertion Criteria 2017. Collection method: clinical testing. Allele origin: unknown.

Literature cited by the submitters: PubMed 22917891 (cited by Labcorp Genetics (formerly Invitae), Labcorp and Broad Center for Mendelian Genomics, Broad Institute of MIT and Harvard); PubMed 25097241 (cited by Labcorp Genetics (formerly Invitae), Labcorp and Broad Center for Mendelian Genomics, Broad Institute of MIT and Harvard); PubMed 25692139 (cited by Labcorp Genetics (formerly Invitae), Labcorp and Broad Center for Mendelian Genomics, Broad Institute of MIT and Harvard); PubMed 30337596 (cited by Labcorp Genetics (formerly Invitae), Labcorp and Broad Center for Mendelian Genomics, Broad Institute of MIT and Harvard); PubMed 11527933 (cited by Labcorp Genetics (formerly Invitae), Labcorp); PubMed 19933189 (cited by Labcorp Genetics (formerly Invitae), Labcorp); PubMed 29425069 (cited by Labcorp Genetics (formerly Invitae), Labcorp); PubMed 30027431 (cited by Labcorp Genetics (formerly Invitae), Labcorp); PubMed 33681214 (cited by Labcorp Genetics (formerly Invitae), Labcorp); PubMed 34906470 (cited by Broad Center for Mendelian Genomics, Broad Institute of MIT and Harvard); PubMed 29912909 (cited by Broad Center for Mendelian Genomics, Broad Institute of MIT and Harvard).

NM_006269.2(RP1):c.1625C>G (p.Ser542Ter)

Gene: RP1 (RP1 axonemal microtubule associated; plus strand). Cytogenetic location: 8q12.1.
Variant type: single nucleotide variant.
Coding change: c.1625C>G on transcript NM_006269.2 (MANE Select); coding-DNA position 1625, C replaced by G.
Protein change: p.Ser542Ter; replaces serine 542 with a stop codon.
Molecular consequence: nonsense.
Genome position (GRCh38, 1-based): chr8:54,625,507, C>G. VCF-style: chr8-54625507-C-G. GRCh37 (hg19) VCF-style: chr8-55538067-C-G.
Other names: short protein forms S542*.
Identifiers: ClinVar variation 620129 (VCV000620129.16), dbSNP rs779334655, ClinGen allele CA4751409.
Genomic context (GRCh38, chr8:54,625,507, plus strand): 5'-ACAATGATCAAATGGAGGAGTCATCATTAGAAAGAAAAAAGGAAAACAGTCTGCTTAAGT[C>G]AAGTGCAATAAGTGCTGGTGTTATAGAAATTACAAGTCAGAAGATGTTAGAGATGTCACA-3'